The following is an entry in ClinVar:

ClinVar aggregate classification (germline): Uncertain significance (1 of 4 stars; one submission).

gnomAD v4.1: 1 of 1,614,086 alleles (0.000062%); highest among the groups gnomAD compares: Non-Finnish European, 0.000085%; no homozygotes.

Submission:

Labcorp Genetics (formerly Invitae), Labcorp
Classification: Uncertain significance. Last evaluated: 2025-10-26. Review status: criteria provided, single submitter. Criteria: Invitae Variant Classification Sherloc (09022015). Collection method: clinical testing. Allele origin: germline.
Comment: This sequence change replaces asparagine, which is neutral and polar, with aspartic acid, which is acidic and polar, at codon 261 of the ARHGAP31 protein (p.Asn261Asp). This variant is not present in population databases (gnomAD no frequency). This variant has not been reported in the literature in individuals affected with ARHGAP31-related conditions. An algorithm developed to predict the effect of missense changes on protein structure and function outputs the following: PolyPhen-2: "Benign". The aspartic acid amino acid residue is found in multiple mammalian species, which suggests that this missense change does not adversely affect protein function. In summary, the available evidence is currently insufficient to determine the role of this variant in disease. Therefore, it has been classified as a Variant of Uncertain Significance.

NM_020754.4(ARHGAP31):c.781A>G (p.Asn261Asp)

Gene: ARHGAP31 (Rho GTPase activating protein 31; plus strand). Cytogenetic location: 3q13.33.
Variant type: single nucleotide variant.
Coding change: c.781A>G on transcript NM_020754.4 (MANE Select); coding-DNA position 781, A replaced by G.
Protein change: p.Asn261Asp; replaces asparagine 261 with aspartic acid.
Molecular consequence: missense variant.
Genome position (GRCh38, 1-based): chr3:119,390,883, A>G. VCF-style: chr3-119390883-A-G. GRCh37 (hg19) VCF-style: chr3-119109730-A-G.
Other names: short protein forms N261D.
Identifiers: ClinVar variation 4729351 (VCV004729351.1).